The following is an entry in ClinVar:

ClinVar aggregate classification (germline): Benign. Review status: criteria provided, multiple submitters, no conflicts (2 of 4 stars). 8 submissions from 8 submitters: Benign (7). 1 of the submissions does not count toward it. Last evaluated 2026-02-04.

Conditions:
Cerebellar ataxia, impaired intellectual development, and dysequilibrium syndrome 1. Also called: CEREBELLAR ATAXIA AND MENTAL RETARDATION WITH OR WITHOUT QUADRUPEDAL LOCOMOTION 1; CEREBELLAR ATAXIA, CONGENITAL, AND MENTAL RETARDATION, AUTOSOMAL RECESSIVE; VLDLR Cerebellar Hypoplasia; Cerebellar hypoplasia and mental retardation with or without quadrupedal locomotion 1; Cerebellar ataxia, intellectual disability, and dysequilibrium syndrome 1; Cerebellar ataxia, mental retardation, and dysequilibrium syndrome 1. Identifiers: Orphanet 1766, MedGen C4551552, MONDO:0024542, OMIM 224050.

Allele frequency attached by ClinVar (database versions not stated): 1000 Genomes Project 0.17173; gnomAD 0.24562 and 0.23708; ESP Exome Variant Server 0.25527; 1000 Genomes Project 30x 0.17989; gnomAD exomes 0.18127 and 0.20595; ExAC 0.18801; TOPMed 0.23625.

Submissions (8):

Labcorp Genetics (formerly Invitae), Labcorp
Classification: Benign. Last evaluated: 2026-02-04. Review status: criteria provided, single submitter. Criteria: Invitae Variant Classification Sherloc (09022015). Collection method: clinical testing. Allele origin: germline.

Blueprint Genetics
Classification: Benign. Last evaluated: 2024-11-27. Review status: criteria provided, single submitter. Criteria: ACMG Guidelines, 2015. Collection method: clinical testing. Allele origin: germline.

Mayo Clinic Laboratories, Mayo Clinic
Classification: Benign. Last evaluated: 2022-03-24. Review status: criteria provided, single submitter. Criteria: ACMG Guidelines, 2015. Collection method: clinical testing. Allele origin: germline. Observed: 376 variant alleles.

Genome-Nilou Lab
Classification: Benign for Cerebellar ataxia, impaired intellectual development, and dysequilibrium syndrome 1. Last evaluated: 2021-12-05. Review status: criteria provided, single submitter. Criteria: ACMG Guidelines, 2015. Collection method: clinical testing. Allele origin: germline. Affected: no.

Illumina Laboratory Services, Illumina
Classification: Benign for Cerebellar ataxia, impaired intellectual development, and dysequilibrium syndrome 1. Last evaluated: 2018-01-12. Review status: criteria provided, single submitter. Criteria: ICSL Variant Classification Criteria 13 December 2019. Collection method: clinical testing. Allele origin: germline.
Comment: This variant was observed in the ICSL laboratory as part of a predisposition screen in an ostensibly healthy population. It had not been previously curated by ICSL or reported in the Human Gene Mutation Database (HGMD: prior to June 1st, 2018), and was therefore a candidate for classification through an automated scoring system. Utilizing variant allele frequency, disease prevalence and penetrance estimates, and inheritance mode, an automated score was calculated to assess if this variant is too frequent to cause the disease. Based on the score and internal cut-off values, a variant classified as benign is not then subjected to further curation. The score for this variant resulted in a classification of benign for this disease.

GeneDx
Classification: Benign. Last evaluated: 2015-03-03. Review status: criteria provided, single submitter. Criteria: GeneDx Variant Classification Process June 2021. Collection method: clinical testing. Allele origin: germline. Affected: yes.

Breakthrough Genomics
Classification: Benign. Review status: criteria provided, single submitter. Criteria: ACMG Guidelines, 2015. Collection method: not provided. Allele origin: germline. Inheritance: Autosomal recessive inheritance. Affected: yes.

Genetic Services Laboratory, University of Chicago
Classification: Likely benign for AllHighlyPenetrant. Review status: no assertion criteria provided. Collection method: clinical testing. Allele origin: germline. Inheritance: Autosomal recessive inheritance. Not counted in ClinVar's aggregate classification.
Comment: Likely benign based on allele frequency in 1000 Genomes Project or ESP global frequency and its presence in a patient with a rare or unrelated disease phenotype. NOT Sanger confirmed.

NM_003383.5(VLDLR):c.2416+8G>T

Gene: VLDLR (very low density lipoprotein receptor; plus strand). Cytogenetic location: 9p24.2.
Variant type: single nucleotide variant.
Coding change: c.2416+8G>T on transcript NM_003383.5 (MANE Select); 8 bases into the intron after coding-DNA position 2416, G replaced by T.
Molecular consequence: intron variant.
Genome position (GRCh38, 1-based): chr9:2,651,962, G>T. VCF-style: chr9-2651962-G-T. GRCh37 (hg19) VCF-style: chr9-2651962-G-T.
Other names: p.?; c.2332+8G>T (NM_001018056.3); c.2293+8G>T (NM_001322225.2); c.2209+8G>T (NM_001322226.2).
Identifiers: ClinVar variation 130709 (VCV000130709.21), dbSNP rs6145, ClinGen allele CA155924.